The following is an entry in ClinVar:

ClinVar aggregate classification (germline): Uncertain significance. Review status: criteria provided, multiple submitters, no conflicts (2 of 4 stars). 2 submissions from 2 submitters: Uncertain significance (2). Last evaluated 2025-02-19.

Conditions:
Absence seizure. Also called: Absence epilepsy. Identifiers: Orphanet 1941, MedGen C0014553.
Myoclonic epilepsy, juvenile, susceptibility to, 1. Also called: Myoclonic Epilepsy, Juvenile, 1; EJM1. Identifiers: MedGen C1850778, MONDO:0020752, OMIM 254770.

Allele frequency attached by ClinVar (database versions not stated): TOPMed 0.00001; 1000 Genomes Project 30x 0.00016; 1000 Genomes Project 0.00020.
gnomAD v4.1: 19 of 1,614,004 alleles (0.0012%); highest among the groups gnomAD compares: African/African-American, 0.015%; no homozygotes.

Submissions (2):

Ambry Genetics
Classification: Uncertain significance. Last evaluated: 2025-02-19. Review status: criteria provided, single submitter. Criteria: Ambry Variant Classification Scheme 2023. Collection method: clinical testing. Allele origin: germline.

Labcorp Genetics (formerly Invitae), Labcorp
Classification: Uncertain significance for Myoclonic epilepsy, juvenile, susceptibility to, 1; Absence seizure. Last evaluated: 2020-06-26. Review status: criteria provided, single submitter. Criteria: Invitae Variant Classification Sherloc (09022015). Collection method: clinical testing. Allele origin: germline.
Comment: In summary, the available evidence is currently insufficient to determine the role of this variant in disease. Therefore, it has been classified as a Variant of Uncertain Significance. Algorithms developed to predict the effect of missense changes on protein structure and function (SIFT, PolyPhen-2, Align-GVGD) all suggest that this variant is likely to be disruptive, but these predictions have not been confirmed by published functional studies and their clinical significance is uncertain. This variant has not been reported in the literature in individuals with EFHC1-related conditions. This variant is present in population databases (rs191656603, ExAC 0.02%). This sequence change replaces arginine with leucine at codon 151 of the EFHC1 protein (p.Arg151Leu). The arginine residue is highly conserved and there is a moderate physicochemical difference between arginine and leucine.

NM_018100.4(EFHC1):c.452G>T (p.Arg151Leu)

Gene: EFHC1 (EF-hand domain containing 1; plus strand). Cytogenetic location: 6p12.2.
Variant type: single nucleotide variant.
Coding change: c.452G>T on transcript NM_018100.4 (MANE Select); coding-DNA position 452, G replaced by T.
Protein change: p.Arg151Leu; replaces arginine 151 with leucine.
Molecular consequence: missense variant. On other transcripts: non-coding transcript variant (1).
Genome position (GRCh38, 1-based): chr6:52,438,470, G>T. VCF-style: chr6-52438470-G-T. GRCh37 (hg19) VCF-style: chr6-52303268-G-T.
Other names: c.395G>T, p.Arg132Leu (NM_001172420.2); short protein forms R151L, R132L.
Identifiers: ClinVar variation 863597 (VCV000863597.13), dbSNP rs191656603, ClinGen allele CA3855741.